The following is an entry in ClinVar:

ClinVar aggregate classification (germline): Uncertain significance. Review status: criteria provided, multiple submitters, no conflicts (2 of 4 stars). 5 submissions from 3 submitters: Uncertain significance (5). Last evaluated 2022-09-13.

Conditions:
Charcot-Marie-Tooth disease axonal type 2X. Also called: CHARCOT-MARIE-TOOTH DISEASE, AXONAL, AUTOSOMAL RECESSIVE, TYPE 2X; CHARCOT-MARIE-TOOTH NEUROPATHY, TYPE 2X. Identifiers: Orphanet 466775, MedGen C5569024, MONDO:0014726, OMIM 616668.
Amyotrophic lateral sclerosis type 5 (ALS5). Also called: AMYOTROPHIC LATERAL SCLEROSIS 5, JUVENILE. Identifiers: Orphanet 300605, MedGen C1865864, MONDO:0011196, OMIM 602099.
Hereditary spastic paraplegia 11. Also called: SPASTIC PARAPLEGIA, AUTOSOMAL RECESSIVE, COMPLICATED, WITH THIN CORPUS CALLOSUM; SPASTIC PARAPLEGIA, AUTOSOMAL RECESSIVE, WITH MENTAL IMPAIRMENT AND THIN CORPUS CALLOSUM; Spastic paraplegia, mental retardation and thin corpus callosum; Nakamura Osame syndrome; Autosomal recessive hereditary spastic paraplegia, mental impairment, and thin corpus callosum; Spastic Paraplegia 11. Identifiers: Orphanet 2822, MedGen C1858479, MONDO:0011445, OMIM 604360.

gnomAD v4.1: 8 of 1,614,080 alleles (0.0005%); highest among the groups gnomAD compares: Middle Eastern, 0.016%; no homozygotes.

Submissions (5):

Labcorp Genetics (formerly Invitae), Labcorp
Classification: Uncertain significance for Hereditary spastic paraplegia 11. Last evaluated: 2022-09-13. Review status: criteria provided, single submitter. Criteria: Invitae Variant Classification Sherloc (09022015). Collection method: clinical testing. Allele origin: germline.
Comment: This sequence change replaces lysine, which is basic and polar, with threonine, which is neutral and polar, at codon 1273 of the SPG11 protein (p.Lys1273Thr). This variant is present in population databases (rs76389165, gnomAD 0.003%). This variant has not been reported in the literature in individuals affected with SPG11-related conditions. ClinVar contains an entry for this variant (Variation ID: 857952). Advanced modeling of protein sequence and biophysical properties (such as structural, functional, and spatial information, amino acid conservation, physicochemical variation, residue mobility, and thermodynamic stability) performed at Invitae indicates that this missense variant is not expected to disrupt SPG11 protein function. In summary, the available evidence is currently insufficient to determine the role of this variant in disease. Therefore, it has been classified as a Variant of Uncertain Significance.

GeneDx
Classification: Uncertain significance. Last evaluated: 2019-08-26. Review status: criteria provided, single submitter. Criteria: GeneDx Variant Classification Process June 2021. Collection method: clinical testing. Allele origin: germline. Affected: yes.
Comment: Not observed at a significant frequency in large population cohorts (Lek et al., 2016); In silico analysis, which includes protein predictors and evolutionary conservation, supports that this variant does not alter protein structure/function; Has not been previously published as pathogenic or benign to our knowledge

Genome-Nilou Lab
Classification: Uncertain significance for Amyotrophic lateral sclerosis type 5. Review status: criteria provided, single submitter. Criteria: ACMG Guidelines, 2015. Collection method: clinical testing. Allele origin: germline.

Genome-Nilou Lab
Classification: Uncertain significance for Charcot-Marie-Tooth disease axonal type 2X. Review status: criteria provided, single submitter. Criteria: ACMG Guidelines, 2015. Collection method: clinical testing. Allele origin: germline.

Genome-Nilou Lab
Classification: Uncertain significance for Hereditary spastic paraplegia 11. Review status: criteria provided, single submitter. Criteria: ACMG Guidelines, 2015. Collection method: clinical testing. Allele origin: germline.

NM_025137.4(SPG11):c.3818A>C (p.Lys1273Thr)

Gene: SPG11 (SPG11 vesicle trafficking associated, spatacsin; minus strand). Cytogenetic location: 15q21.1.
Variant type: single nucleotide variant.
Coding change: c.3818A>C on transcript NM_025137.4 (MANE Select); coding-DNA position 3818, A replaced by C.
Protein change: p.Lys1273Thr; replaces lysine 1273 with threonine.
Molecular consequence: missense variant.
Genome position (GRCh38, 1-based): chr15:44,598,705, T>G on the plus strand (A>C on the coding strand, the complement: SPG11 is on the minus strand). VCF-style: chr15-44598705-T-G. GRCh37 (hg19) VCF-style: chr15-44890903-T-G.
Other names: c.3818A>C, p.Lys1273Thr (NM_001160227.2); short protein forms K1273T.
Identifiers: ClinVar variation 857952 (VCV000857952.11), dbSNP rs76389165, ClinGen allele CA7534849.